The following is an entry in ClinVar:

NM_001042424.3(NSD2):c.1163A>C (p.Lys388Thr)

Gene: NSD2 (nuclear receptor binding SET domain protein 2; plus strand). Cytogenetic location: 4p16.3.
Variant type: single nucleotide variant.
Coding change: c.1163A>C on transcript NM_001042424.3 (MANE Select); coding-DNA position 1163, A replaced by C.
Protein change: p.Lys388Thr; replaces lysine 388 with threonine.
Molecular consequence: missense variant.
Genome position (GRCh38, 1-based): chr4:1,918,376, A>C. VCF-style: chr4-1918376-A-C. GRCh37 (hg19) VCF-style: chr4-1920103-A-C.
Other names: c.1163A>C, p.Lys388Thr (NM_007331.2, NM_133330.3, NM_133331.3 and 2 more transcripts); short protein forms K388T.
Identifiers: ClinVar variation 2132778 (VCV002132778.4), dbSNP rs760499309, ClinGen allele CA2812032.
Genomic context (GRCh38, chr4:1,918,376, plus strand): 5'-AGTCTTTGGGAGAAATGGCAGAATCCTCAGGAGTCAGTGAAGAAGCTGCTGAAAACCCCA[A>C]GTCTGTGAGAGAAGAGTGCATTCCCATGAAGAGAAGGCGGAGGGCCAAACTGTGTAGCTC-3'
Protein context (NP_001035889.1, residues 378-398): GVSEEAAENP[Lys388Thr]SVREECIPMK

ClinVar aggregate classification (germline): Uncertain significance (1 of 4 stars; one submission).

gnomAD v4.1: 1 of 1,614,140 alleles (0.000062%); highest among the groups gnomAD compares: South Asian, 0.0011%; no homozygotes.

Submission:

Labcorp Genetics (formerly Invitae), Labcorp
Classification: Uncertain significance. Last evaluated: 2022-05-03. Review status: criteria provided, single submitter. Criteria: Invitae Variant Classification Sherloc (09022015). Collection method: clinical testing. Allele origin: germline.
Comment: In summary, the available evidence is currently insufficient to determine the role of this variant in disease. Therefore, it has been classified as a Variant of Uncertain Significance. Algorithms developed to predict the effect of missense changes on protein structure and function (SIFT, PolyPhen-2, Align-GVGD) all suggest that this variant is likely to be tolerated. This variant has not been reported in the literature in individuals affected with WHSC1-related conditions. This variant is present in population databases (rs760499309, gnomAD 0.003%). This sequence change replaces lysine, which is basic and polar, with threonine, which is neutral and polar, at codon 388 of the WHSC1 protein (p.Lys388Thr).